The following is an entry in ClinVar:

NM_138927.4(SON):c.4457_4459delinsATTAAATATGAAAGATAT (p.Gly1486_Ile1487delinsAspTer)

Gene: SON (SON DNA and RNA binding protein; plus strand). Cytogenetic location: 21q22.11.
Variant type: Indel.
Coding change: c.4457_4459delinsATTAAATATGAAAGATAT on transcript NM_138927.4 (MANE Select); coding-DNA positions 4457 to 4459, GAA replaced by ATTAAATATGAAAGATAT.
Protein change: p.Gly1486_Ile1487delinsAspTer.
Molecular consequence: nonsense. On other transcripts: non-coding transcript variant (1), intron variant (1).
Genome position (GRCh38, 1-based): chr21:33,553,688-33,553,690, GAA replaced by ATTAAATATGAAAGATAT. VCF-style: chr21-33553688-GAA-ATTAAATATGAAAGATAT. GRCh37 (hg19) VCF-style: chr21-34925994-GAA-ATTAAATATGAAAGATAT.
Other names: c.4457_4459delinsATTAAATATGAAAGATAT, p.Gly1486_Ile1487delinsAspTer (NM_001291411.2, NM_032195.3); c.245-3468_245-3466delinsATTAAATATGAAAGATAT (NM_001291412.3).
Identifiers: ClinVar variation 3959662 (VCV003959662.1).

ClinVar aggregate classification (germline): Pathogenic (1 of 4 stars; one submission).

Conditions:
Inborn genetic diseases. Identifiers: MedGen C0950123, MeSH D030342.

Submission:

Ambry Genetics
Classification: Pathogenic for Inborn genetic diseases. Last evaluated: 2025-05-02. Review status: criteria provided, single submitter. Criteria: Ambry Variant Classification Scheme 2023. Collection method: clinical testing. Allele origin: germline.
Comment: The c.4457_4459delGAAinsATTAAATATGAAAGATAT (p.G1486_I1487delinsD*) alteration, located in coding exon 3 of the SON gene, results from an in-frame deletion of 3 nucleotides and insertion of 18 nucleotides at nucleotide positions 4457 to 4459, causing insertion of a predicted alternate stop codon. This alteration is expected to result in loss of function by premature protein truncation or nonsense-mediated mRNA decay. This variant was not reported in population-based cohorts in the Genome Aggregation Database (gnomAD). Based on the available evidence, this alteration is classified as pathogenic.